The following is an entry in ClinVar:

ClinVar aggregate classification (germline): Conflicting classifications of pathogenicity. Review status: criteria provided, conflicting classifications (1 of 4 stars). 3 submissions from 3 submitters: Uncertain significance (2); Likely benign (1). Last evaluated 2024-01-10.

Conditions:
Severe combined immunodeficiency due to DNA-PKcs deficiency. Also called: IMMUNODEFICIENCY 26 WITH NEUROLOGIC ABNORMALITIES; Immunodeficiency 26 with or without neurologic abnormalities. Identifiers: Orphanet 317425, MedGen C4014833, MONDO:0014423, OMIM 615966.

Allele frequency attached by ClinVar (database versions not stated): gnomAD 0.00001 and 0.00007; TOPMed 0.00001; gnomAD exomes 0.00008 and 0.00021; 1000 Genomes Project 30x 0.00016; 1000 Genomes Project 0.00020; ExAC 0.00022.
gnomAD v4.1: 134 of 1,612,476 alleles (0.0083%); highest among the groups gnomAD compares: South Asian, 0.14%; no homozygotes.

Submissions (3):

Labcorp Genetics (formerly Invitae), Labcorp
Classification: Uncertain significance for Severe combined immunodeficiency due to DNA-PKcs deficiency. Last evaluated: 2024-01-10. Review status: criteria provided, single submitter. Criteria: Invitae Variant Classification Sherloc (09022015). Collection method: clinical testing. Allele origin: germline.
Comment: This sequence change replaces arginine, which is basic and polar, with lysine, which is basic and polar, at codon 3593 of the PRKDC protein (p.Arg3593Lys). This variant is present in population databases (rs531330017, gnomAD 0.2%). This variant has not been reported in the literature in individuals affected with PRKDC-related conditions. ClinVar contains an entry for this variant (Variation ID: 1032501). Advanced modeling of protein sequence and biophysical properties (such as structural, functional, and spatial information, amino acid conservation, physicochemical variation, residue mobility, and thermodynamic stability) performed at Invitae indicates that this missense variant is not expected to disrupt PRKDC protein function with a negative predictive value of 80%. In summary, the available evidence is currently insufficient to determine the role of this variant in disease. Therefore, it has been classified as a Variant of Uncertain Significance.

Blueprint Genetics
Classification: Likely benign. Last evaluated: 2023-09-13. Review status: criteria provided, single submitter. Criteria: ACMG Guidelines, 2015. Collection method: clinical testing. Allele origin: germline.

Baylor Genetics
Classification: Uncertain significance for Severe combined immunodeficiency due to DNA-PKcs deficiency. Last evaluated: 2018-06-29. Review status: criteria provided, single submitter. Criteria: ACMG Guidelines, 2015. Collection method: clinical testing. Allele origin: unknown. Affected: yes.
Comment: This variant was determined to be of uncertain significance according to ACMG Guidelines, 2015 [PMID:25741868].

NM_006904.7(PRKDC):c.10778G>A (p.Arg3593Lys)

Gene: PRKDC (protein kinase, DNA-activated, catalytic subunit; minus strand). Cytogenetic location: 8q11.21.
Variant type: single nucleotide variant.
Coding change: c.10778G>A on transcript NM_006904.7 (MANE Select); coding-DNA position 10778, G replaced by A.
Protein change: p.Arg3593Lys; replaces arginine 3593 with lysine.
Molecular consequence: missense variant.
Genome position (GRCh38, 1-based): chr8:47,789,030, C>T on the plus strand (G>A on the coding strand, the complement: PRKDC is on the minus strand). VCF-style: chr8-47789030-C-T. GRCh37 (hg19) VCF-style: chr8-48701591-C-T.
Other names: c.10778G>A, p.Arg3593Lys (NM_001081640.2); short protein forms R3593K.
Identifiers: ClinVar variation 1032501 (VCV001032501.6), dbSNP rs531330017, ClinGen allele CA4739238.